The following is an entry in ClinVar:

NM_001205293.3(CACNA1E):c.6832A>G (p.Met2278Val)

Gene: CACNA1E (calcium voltage-gated channel subunit alpha1 E; plus strand). Cytogenetic location: 1q25.3.
Variant type: single nucleotide variant.
Coding change: c.6832A>G on transcript NM_001205293.3 (MANE Select); coding-DNA position 6832, A replaced by G.
Protein change: p.Met2278Val; replaces methionine 2278 with valine.
Molecular consequence: missense variant.
Genome position (GRCh38, 1-based): chr1:181,798,724, A>G. VCF-style: chr1-181798724-A-G. GRCh37 (hg19) VCF-style: chr1-181767860-A-G.
Other names: c.6703A>G, p.Met2235Val (NM_000721.4); c.6646A>G, p.Met2216Val (NM_001205294.2); c.6832A>G (NM_001205293.1); short protein forms M2216V, M2235V, M2278V.
Identifiers: ClinVar variation 1241705 (VCV001241705.36), dbSNP rs200469194, ClinGen allele CA1276500.
Genomic context (GRCh38, chr1:181,798,724, plus strand): 5'-ACTAGCCTGGGCCGTTCCAACACCATCGGCTCAGCCCCACCCCTGCGGCATAGCTGGCAG[A>G]TGCCCAACGGGCACTATCGGCGGCGGAGGCGCGGGGGGCCTGGGCCAGGCATGATGTGTG-3'
Protein context (NP_001192222.1, residues 2268-2288): SAPPLRHSWQ[Met2278Val]PNGHYRRRRR

ClinVar aggregate classification (germline): Benign/Likely benign. Review status: criteria provided, multiple submitters, no conflicts (2 of 4 stars). 8 submissions from 8 submitters: Benign (2); Likely benign (5). 1 of the submissions does not count toward it. Last evaluated 2026-03-01.

Conditions:
CACNA1E-related disorder. Also called: CACNA1E-related condition.
Developmental and epileptic encephalopathy, 69. Also called: EPILEPTIC ENCEPHALOPATHY, EARLY INFANTILE, 69. Identifiers: MedGen C4748988, MONDO:0032657, OMIM 618285.
Inborn genetic diseases. Identifiers: MedGen C0950123, MeSH D030342.

Allele frequency attached by ClinVar (database versions not stated): 1000 Genomes Project 0.00020; ESP Exome Variant Server 0.00024; 1000 Genomes Project 30x 0.00047; gnomAD 0.00047 and 0.00050; TOPMed 0.00047; gnomAD exomes 0.00064 and 0.00075; ExAC 0.00096.
gnomAD v4.1: 1,163 of 1,608,666 alleles (0.072%); highest among the groups gnomAD compares: Non-Finnish European, 0.086%; 5 homozygotes.

Submissions (8):

CeGaT Center for Human Genetics Tuebingen
Classification: Benign. Last evaluated: 2026-03-01. Review status: criteria provided, single submitter. Criteria: CeGaT Center For Human Genetics Tuebingen Variant Classification Criteria Version 2. Collection method: clinical testing. Allele origin: germline. Affected: yes. Observed: 6 variant alleles.
Comment: CACNA1E: BS1, BS2

Labcorp Genetics (formerly Invitae), Labcorp
Classification: Likely benign. Last evaluated: 2026-01-27. Review status: criteria provided, single submitter. Criteria: Invitae Variant Classification Sherloc (09022015). Collection method: clinical testing. Allele origin: germline.

Ambry Genetics
Classification: Likely benign for Inborn genetic diseases. Last evaluated: 2025-12-05. Review status: criteria provided, single submitter. Criteria: Ambry Variant Classification Scheme 2023. Collection method: clinical testing. Allele origin: germline.

Blueprint Genetics
Classification: Likely benign. Last evaluated: 2024-11-19. Review status: criteria provided, single submitter. Criteria: ACMG Guidelines, 2015. Collection method: clinical testing. Allele origin: germline.

Genome-Nilou Lab
Classification: Likely benign for Developmental and epileptic encephalopathy, 69. Last evaluated: 2023-04-11. Review status: criteria provided, single submitter. Criteria: ACMG Guidelines, 2015. Collection method: clinical testing. Allele origin: germline. Affected: no.

GeneDx
Classification: Benign. Last evaluated: 2021-04-26. Review status: criteria provided, single submitter. Criteria: GeneDx Variant Classification Process June 2021. Collection method: clinical testing. Allele origin: germline. Affected: yes.

Breakthrough Genomics
Classification: Likely benign. Review status: criteria provided, single submitter. Criteria: ACMG Guidelines, 2015. Collection method: not provided. Allele origin: germline. Inheritance: Autosomal dominant inheritance. Affected: yes.

PreventionGenetics, part of Exact Sciences
Classification: Likely benign for CACNA1E-related condition. Last evaluated: 2022-09-28. Review status: no assertion criteria provided. Collection method: clinical testing. Allele origin: germline. Not counted in ClinVar's aggregate classification.
Comment: This variant is classified as likely benign based on ACMG/AMP sequence variant interpretation guidelines (Richards et al. 2015 PMID: 25741868, with internal and published modifications).